The following is an entry in ClinVar:

NM_000535.7(PMS2):c.749C>G (p.Ser250Cys)

Gene: PMS2 (PMS1 homolog 2, mismatch repair system component; minus strand). Cytogenetic location: 7p22.1.
Variant type: single nucleotide variant.
Coding change: c.749C>G on transcript NM_000535.7 (MANE Select); coding-DNA position 749, C replaced by G.
Protein change: p.Ser250Cys; replaces serine 250 with cysteine.
Molecular consequence: missense variant. On other transcripts: 5 prime UTR variant (2), non-coding transcript variant (1).
Genome position (GRCh38, 1-based): chr7:5,997,380, G>C on the plus strand (C>G on the coding strand, the complement: PMS2 is on the minus strand). VCF-style: chr7-5997380-G-C. GRCh37 (hg19) VCF-style: chr7-6037011-G-C.
Other names: c.344C>G, p.Ser115Cys (NM_001322003.2, NM_001322004.2, NM_001322005.2 and 2 more transcripts); c.749C>G, p.Ser250Cys (NM_001322006.2, NM_001322014.2); c.431C>G, p.Ser144Cys (NM_001322007.2, NM_001322008.2); c.-185C>G (NM_001322011.2, NM_001322012.2); c.176C>G, p.Ser59Cys (NM_001322013.2); c.440C>G, p.Ser147Cys (NM_001322015.2); short protein forms S115C, S144C, S59C, S147C, S250C.
Identifiers: ClinVar variation 1474446 (VCV001474446.8), dbSNP rs2128787602, ClinGen allele CA366743712.

ClinVar aggregate classification (germline): Uncertain significance (1 of 4 stars; one submission).

Conditions:
Hereditary nonpolyposis colorectal neoplasms. Identifiers: MedGen C0009405, MeSH D003123.

Submission:

Labcorp Genetics (formerly Invitae), Labcorp
Classification: Uncertain significance for Hereditary nonpolyposis colorectal neoplasms. Last evaluated: 2020-11-30. Review status: criteria provided, single submitter. Criteria: Invitae Variant Classification Sherloc (09022015). Collection method: clinical testing. Allele origin: germline.
Comment: This sequence change replaces serine with cysteine at codon 250 of the PMS2 protein (p.Ser250Cys). The serine residue is weakly conserved and there is a moderate physicochemical difference between serine and cysteine. This variant is not present in population databases (ExAC no frequency). Advanced modeling of protein sequence and biophysical properties (such as structural, functional, and spatial information, amino acid conservation, physicochemical variation, residue mobility, and thermodynamic stability) performed at Invitae indicates that this missense variant is not expected to disrupt PMS2 protein function. This variant has not been reported in the literature in individuals with PMS2-related conditions. In summary, the available evidence is currently insufficient to determine the role of this variant in disease. Therefore, it has been classified as a Variant of Uncertain Significance.